The following is an entry in ClinVar:

NM_000051.4(ATM):c.7254_7255del (p.Arg2419fs)

Genes: ATM (ATM serine/threonine kinase; plus strand), C11orf65 (chromosome 11 open reading frame 65; minus strand). Cytogenetic location: 11q22.3.
Variant type: Deletion.
Coding change: c.7254_7255del on transcript NM_000051.4 (MANE Select); coding-DNA positions 7254 to 7255, 2 bases deleted (AA; older notation c.7254_7255delAA).
Protein change: p.Arg2419fs; shifts the reading frame from arginine 2419.
Molecular consequence: frameshift variant. On other transcripts: intron variant (2).
Genome position (GRCh38, 1-based): chr11:108,329,185-108,329,186, AA deleted; deleting any 2 consecutive bases within chr11:108,329,183-108,329,186 gives the same sequence; the c. name uses the placement nearest the transcript's 3' end. VCF-style (leftmost placement, unchanged base first): chr11-108329182-GAA-G. GRCh37 (hg19) VCF-style: chr11-108199909-GAA-G.
Other names: c.7254_7255del, p.Arg2419fs (NM_001351834.2); c.641-20113_641-20112del (NM_001330368.2); c.*38+6036_*38+6037del (NM_001351110.2); short protein forms R2419fs.
Identifiers: ClinVar variation 1757933 (VCV001757933.2), dbSNP rs2547250087, ClinGen allele CA2580083331.

ClinVar aggregate classification (germline): Pathogenic (1 of 4 stars; one submission).

Conditions:
Hereditary cancer-predisposing syndrome. Also called: Hereditary neoplastic syndrome; Neoplastic Syndromes, Hereditary; Tumor predisposition; Hereditary Cancer Syndrome. Identifiers: Orphanet 140162, MedGen C0027672, MeSH D009386, MONDO:0015356.

Submission:

Ambry Genetics
Classification: Pathogenic for Hereditary cancer-predisposing syndrome. Last evaluated: 2022-04-29. Review status: criteria provided, single submitter. Criteria: Ambry Variant Classification Scheme 2023. Collection method: clinical testing. Allele origin: germline.
Comment: The c.7254_7255delAA pathogenic mutation, located in coding exon 48 of the ATM gene, results from a deletion of two nucleotides at nucleotide positions 7254 to 7255, causing a translational frameshift with a predicted alternate stop codon (p.R2419Sfs*9). This variant is considered to be rare based on population cohorts in the Genome Aggregation Database (gnomAD). This alteration is expected to result in loss of function by premature protein truncation or nonsense-mediated mRNA decay. As such, this alteration is interpreted as a disease-causing mutation.